The following is an entry in ClinVar:

ClinVar aggregate classification (germline): Uncertain significance (1 of 4 stars; one submission).

Conditions:
Autoimmune lymphoproliferative syndrome type 1. Also called: AUTOIMMUNE LYMPHOPROLIFERATIVE SYNDROME, TYPE I, AUTOSOMAL DOMINANT. Identifiers: Orphanet 3261, MedGen C2717884, MONDO:0011158, OMIM 601859.

Allele frequency attached by ClinVar (database versions not stated): ExAC 0.00001; gnomAD exomes below 0.00001.
gnomAD v4.1: 4 of 1,613,932 alleles (0.00025%); highest among the groups gnomAD compares: Non-Finnish European, 0.00034%; no homozygotes.

Submission:

Labcorp Genetics (formerly Invitae), Labcorp
Classification: Uncertain significance for Autoimmune lymphoproliferative syndrome. Last evaluated: 2022-09-20. Review status: criteria provided, single submitter. Criteria: Invitae Variant Classification Sherloc (09022015). Collection method: clinical testing. Allele origin: germline.
Comment: In summary, the available evidence is currently insufficient to determine the role of this variant in disease. Therefore, it has been classified as a Variant of Uncertain Significance. Algorithms developed to predict the effect of missense changes on protein structure and function output the following: SIFT: "Not Available"; PolyPhen-2: "Possibly Damaging"; Align-GVGD: "Not Available". The alanine amino acid residue is found in multiple mammalian species, which suggests that this missense change does not adversely affect protein function. This variant has not been reported in the literature in individuals affected with FAS-related conditions. This variant is present in population databases (rs757367051, gnomAD 0.0009%). This sequence change replaces valine, which is neutral and non-polar, with alanine, which is neutral and non-polar, at codon 249 of the FAS protein (p.Val249Ala).

NM_000043.6(FAS):c.746T>C (p.Val249Ala)

Gene: FAS (Fas cell surface death receptor; plus strand). Cytogenetic location: 10q23.31.
Variant type: single nucleotide variant.
Coding change: c.746T>C on transcript NM_000043.6 (MANE Select); coding-DNA position 746, T replaced by C.
Protein change: p.Val249Ala; replaces valine 249 with alanine.
Molecular consequence: missense variant. On other transcripts: 3 prime UTR variant (2), non-coding transcript variant (7).
Genome position (GRCh38, 1-based): chr10:89,014,188, T>C. VCF-style: chr10-89014188-T-C. GRCh37 (hg19) VCF-style: chr10-90773945-T-C.
Other names: c.*69T>C (NM_001320619.2); c.791T>C, p.Val264Ala (NM_001410956.1); c.683T>C, p.Val228Ala (NM_152871.4); c.*58T>C (NM_152872.4); short protein forms V228A, V249A, V264A.
Identifiers: ClinVar variation 1719923 (VCV001719923.5), dbSNP rs757367051, ClinGen allele CA5593215.